The following is an entry in ClinVar:

NM_004304.5(ALK):c.2624G>A (p.Gly875Glu)

Gene: ALK (ALK receptor tyrosine kinase; minus strand). Cytogenetic location: 2p23.2.
Variant type: single nucleotide variant.
Coding change: c.2624G>A on transcript NM_004304.5 (MANE Select); coding-DNA position 2624, G replaced by A.
Protein change: p.Gly875Glu; replaces glycine 875 with glutamic acid.
Molecular consequence: missense variant.
Genome position (GRCh38, 1-based): chr2:29,232,312, C>T on the plus strand (G>A on the coding strand, the complement: ALK is on the minus strand). VCF-style: chr2-29232312-C-T. GRCh37 (hg19) VCF-style: chr2-29455178-C-T.
Other names: short protein forms G875E.
Identifiers: ClinVar variation 570138 (VCV000570138.12), dbSNP rs374375387, ClinGen allele CA1594251.

ClinVar aggregate classification (germline): Uncertain significance. Review status: criteria provided, multiple submitters, no conflicts (2 of 4 stars). 3 submissions from 3 submitters: Uncertain significance (3). Last evaluated 2025-07-06.

Conditions:
Hereditary cancer-predisposing syndrome. Also called: Hereditary neoplastic syndrome; Neoplastic Syndromes, Hereditary; Hereditary Cancer Syndrome; Tumor predisposition. Identifiers: Orphanet 140162, MedGen C0027672, MeSH D009386, MONDO:0015356.
Neuroblastoma, susceptibility to, 3. Also called: ALK-Related Neuroblastic Tumor Susceptibility. Identifiers: Orphanet 635, MedGen C2751681, MONDO:0013083, OMIM 613014.

Allele frequency attached by ClinVar (database versions not stated): gnomAD exomes below 0.00001; ExAC 0.00001; gnomAD 0.00001; TOPMed 0.00001; ESP Exome Variant Server 0.00008.
gnomAD v4.1: 6 of 1,614,108 alleles (0.00037%); highest among the groups gnomAD compares: Non-Finnish European, 0.00051%; no homozygotes.

Submissions (3):

Labcorp Genetics (formerly Invitae), Labcorp
Classification: Uncertain significance for Neuroblastoma, susceptibility to, 3. Last evaluated: 2025-07-06. Review status: criteria provided, single submitter. Criteria: Invitae Variant Classification Sherloc (09022015). Collection method: clinical testing. Allele origin: germline.
Comment: This sequence change replaces glycine, which is neutral and non-polar, with glutamic acid, which is acidic and polar, at codon 875 of the ALK protein (p.Gly875Glu). This variant is present in population databases (rs374375387, gnomAD 0.002%). This variant has not been reported in the literature in individuals affected with ALK-related conditions. ClinVar contains an entry for this variant (Variation ID: 570138). An algorithm developed to predict the effect of missense changes on protein structure and function (PolyPhen-2) suggests that this variant is likely to be disruptive. In summary, the available evidence is currently insufficient to determine the role of this variant in disease. Therefore, it has been classified as a Variant of Uncertain Significance.

Ambry Genetics
Classification: Uncertain significance for Hereditary cancer-predisposing syndrome. Last evaluated: 2025-04-30. Review status: criteria provided, single submitter. Criteria: Ambry Variant Classification Scheme 2023. Collection method: clinical testing. Allele origin: germline.
Comment: The p.G875E variant (also known as c.2624G>A), located in coding exon 15 of the ALK gene, results from a G to A substitution at nucleotide position 2624. The glycine at codon 875 is replaced by glutamic acid, an amino acid with similar properties. This amino acid position is highly conserved in available vertebrate species. In addition, the in silico prediction for this alteration is inconclusive. Based on the available evidence, the clinical significance of this variant remains unclear.

Baylor Genetics
Classification: Uncertain significance for Neuroblastoma, susceptibility to, 3. Last evaluated: 2023-08-02. Review status: criteria provided, single submitter. Criteria: ACMG Guidelines, 2015. Collection method: clinical testing. Allele origin: unknown.